The following is an entry in ClinVar:

NM_000565.4(IL6R):c.565A>G (p.Ile189Val)

Gene: IL6R (interleukin 6 receptor; plus strand). Cytogenetic location: 1q21.3.
Variant type: single nucleotide variant.
Coding change: c.565A>G on transcript NM_000565.4 (MANE Select); coding-DNA position 565, A replaced by G.
Protein change: p.Ile189Val; replaces isoleucine 189 with valine.
Molecular consequence: missense variant.
Genome position (GRCh38, 1-based): chr1:154,434,625, A>G. VCF-style: chr1-154434625-A-G. GRCh37 (hg19) VCF-style: chr1-154407101-A-G.
Other names: c.565A>G, p.Ile189Val (NM_001206866.2, NM_001382769.1, NM_001382770.1 and 4 more transcripts); c.205A>G, p.Ile69Val (NM_001382774.1); short protein forms I69V, I189V.
Identifiers: ClinVar variation 1377985 (VCV001377985.4), dbSNP rs143779412, ClinGen allele CA1129053.

ClinVar aggregate classification (germline): Conflicting classifications of pathogenicity. Review status: criteria provided, conflicting classifications (1 of 4 stars). 2 submissions from 2 submitters: Uncertain significance (1); Likely benign (1). Last evaluated 2024-04-11.

Allele frequency attached by ClinVar (database versions not stated): ESP Exome Variant Server 0.00062; 1000 Genomes Project 0.00080; 1000 Genomes Project 30x 0.00094.
gnomAD v4.1: 222 of 1,614,102 alleles (0.014%); highest among the groups gnomAD compares: African/African-American, 0.18%; no homozygotes.

Submissions (2):

Blueprint Genetics
Classification: Likely benign. Last evaluated: 2024-04-11. Review status: criteria provided, single submitter. Criteria: ACMG Guidelines, 2015. Collection method: clinical testing. Allele origin: germline.

Labcorp Genetics (formerly Invitae), Labcorp
Classification: Uncertain significance. Last evaluated: 2022-10-04. Review status: criteria provided, single submitter. Criteria: Invitae Variant Classification Sherloc (09022015). Collection method: clinical testing. Allele origin: germline.
Comment: This sequence change replaces isoleucine, which is neutral and non-polar, with valine, which is neutral and non-polar, at codon 189 of the IL6R protein (p.Ile189Val). This variant is present in population databases (rs143779412, gnomAD 0.2%). This variant has not been reported in the literature in individuals affected with IL6R-related conditions. ClinVar contains an entry for this variant (Variation ID: 1377985). Algorithms developed to predict the effect of missense changes on protein structure and function output the following: SIFT: "Tolerated"; PolyPhen-2: "Benign"; Align-GVGD: "Class C0". The valine amino acid residue is found in multiple mammalian species, which suggests that this missense change does not adversely affect protein function. In summary, the available evidence is currently insufficient to determine the role of this variant in disease. Therefore, it has been classified as a Variant of Uncertain Significance.